The following is an entry in ClinVar:

NM_001110556.2(FLNA):c.2302C>A (p.His768Asn)

Gene: FLNA (filamin A; minus strand). Cytogenetic location: Xq28.
Variant type: single nucleotide variant.
Coding change: c.2302C>A on transcript NM_001110556.2 (MANE Select); coding-DNA position 2302, C replaced by A.
Protein change: p.His768Asn; replaces histidine 768 with asparagine.
Molecular consequence: missense variant.
Genome position (GRCh38, 1-based): chrX:154,362,763, G>T on the plus strand (C>A on the coding strand, the complement: FLNA is on the minus strand). VCF-style: chrX-154362763-G-T. GRCh37 (hg19) VCF-style: chrX-153591131-G-T.
Other names: c.2302C>A, p.His768Asn (NM_001456.4); short protein forms H768N.
Identifiers: ClinVar variation 1312818 (VCV001312818.2), dbSNP rs2148114718, ClinGen allele CA415237554.
Genomic context (GRCh38, chrX:154,362,763, plus strand): 5'-CGTGGGCCTTGAGCCCTGTCTTGGCTACTCCGGGGCCGTATACTTTGACCTTGTTGGGGT[G>T]GCTGCCAGCTCCCACATTCACCTGCAGGGCACAGGGGCAAGGGCAAGGGCATGAGCAGCC-3'
Protein context (NP_001104026.1, residues 758-778): PFRVNVGAGS[His768Asn]PNKVKVYGPG

ClinVar aggregate classification (germline): Uncertain significance (1 of 4 stars; one submission).

gnomAD v4.1: 7 of 1,201,721 alleles (0.00058%); highest among the groups gnomAD compares: Non-Finnish European, 0.00079%; no homozygotes.

Submission:

GeneDx
Classification: Uncertain significance. Last evaluated: 2020-01-22. Review status: criteria provided, single submitter. Criteria: GeneDx Variant Classification Process June 2021. Collection method: clinical testing. Allele origin: germline. Affected: yes.
Comment: Not observed in large population cohorts (Lek et al., 2016); In silico analysis, which includes protein predictors and evolutionary conservation, supports a deleterious effect; Has not been previously published as pathogenic or benign to our knowledge